The following is an entry in ClinVar:

ClinVar aggregate classification (germline): Uncertain significance (1 of 4 stars; one submission).

Allele frequency attached by ClinVar (database versions not stated): gnomAD exomes below 0.00001; TOPMed below 0.00001; gnomAD 0.00001.
gnomAD v4.1: 6 of 1,613,436 alleles (0.00037%); highest among the groups gnomAD compares: Non-Finnish European, 0.00042%; no homozygotes.

Submission:

Labcorp Genetics (formerly Invitae), Labcorp
Classification: Uncertain significance. Last evaluated: 2024-10-15. Review status: criteria provided, single submitter. Criteria: Invitae Variant Classification Sherloc (09022015). Collection method: clinical testing. Allele origin: germline.
Comment: This sequence change replaces tyrosine, which is neutral and polar, with cysteine, which is neutral and slightly polar, at codon 82 of the CDK5RAP2 protein (p.Tyr82Cys). This variant is not present in population databases (gnomAD no frequency). This variant has not been reported in the literature in individuals affected with CDK5RAP2-related conditions. ClinVar contains an entry for this variant (Variation ID: 2007928). An algorithm developed to predict the effect of missense changes on protein structure and function (PolyPhen-2) suggests that this variant is likely to be disruptive. In summary, the available evidence is currently insufficient to determine the role of this variant in disease. Therefore, it has been classified as a Variant of Uncertain Significance.

NM_018249.6(CDK5RAP2):c.245A>G (p.Tyr82Cys)

Gene: CDK5RAP2 (CDK5 regulatory subunit associated protein 2; minus strand). Cytogenetic location: 9q33.2.
Variant type: single nucleotide variant.
Coding change: c.245A>G on transcript NM_018249.6 (MANE Select); coding-DNA position 245, A replaced by G.
Protein change: p.Tyr82Cys; replaces tyrosine 82 with cysteine.
Molecular consequence: missense variant. On other transcripts: non-coding transcript variant (5).
Genome position (GRCh38, 1-based): chr9:120,550,853, T>C on the plus strand (A>G on the coding strand, the complement: CDK5RAP2 is on the minus strand). VCF-style: chr9-120550853-T-C. GRCh37 (hg19) VCF-style: chr9-123313131-T-C.
Other names: c.245A>G, p.Tyr82Cys (NM_001410994.1, NM_001011649.3, NM_001272039.2 and 2 more transcripts); short protein forms Y82C.
Identifiers: ClinVar variation 2007928 (VCV002007928.4), dbSNP rs1345830760, ClinGen allele CA374712147.
Genomic context (GRCh38, chr9:120,550,853, plus strand): 5'-GTTTTGTAGATATGTTCAGTGGGGCCATGAAATTCCTGTTGCATTCTTTCCTCAAGGAAA[T>C]AGATGCGGAGCTTTAGGTTAAAGTTTTCTTTCTTCAATTCAGTGATTTGCTGAAAAATAT-3'
Protein context (NP_060719.4, residues 72-92): KENFNLKLRI[Tyr82Cys]FLEERMQQEF